The following is an entry in ClinVar:

ClinVar aggregate classification (germline): Uncertain significance. Review status: criteria provided, multiple submitters, no conflicts (2 of 4 stars). 3 submissions from 3 submitters: Uncertain significance (3). Last evaluated 2022-07-29.

Conditions:
Inborn genetic diseases. Identifiers: MedGen C0950123, MeSH D030342.
Compton-North congenital myopathy (CMYO12). Identifiers: Orphanet 210163, MedGen C2675527, MONDO:0012929, OMIM 612540.

Allele frequency attached by ClinVar (database versions not stated): ExAC 0.00003; gnomAD 0.00003; gnomAD exomes 0.00004; TOPMed 0.00005; ESP Exome Variant Server 0.00023.
gnomAD v4.1: 62 of 1,613,822 alleles (0.0038%); highest among the groups gnomAD compares: East Asian, 0.011%; no homozygotes.

Submissions (3):

Labcorp Genetics (formerly Invitae), Labcorp
Classification: Uncertain significance for Compton-North congenital myopathy. Last evaluated: 2022-07-29. Review status: criteria provided, single submitter. Criteria: Invitae Variant Classification Sherloc (09022015). Collection method: clinical testing. Allele origin: germline.
Comment: This sequence change replaces glutamic acid, which is acidic and polar, with lysine, which is basic and polar, at codon 869 of the CNTN1 protein (p.Glu869Lys). This variant is present in population databases (rs200286741, gnomAD 0.05%). This variant has not been reported in the literature in individuals affected with CNTN1-related conditions. Advanced modeling of protein sequence and biophysical properties (such as structural, functional, and spatial information, amino acid conservation, physicochemical variation, residue mobility, and thermodynamic stability) performed at Invitae indicates that this missense variant is not expected to disrupt CNTN1 protein function. In summary, the available evidence is currently insufficient to determine the role of this variant in disease. Therefore, it has been classified as a Variant of Uncertain Significance.

Ambry Genetics
Classification: Uncertain significance for Inborn genetic diseases. Last evaluated: 2021-11-05. Review status: criteria provided, single submitter. Criteria: Ambry Variant Classification Scheme 2023. Collection method: clinical testing. Allele origin: germline.

GeneDx
Classification: Uncertain significance. Last evaluated: 2021-08-25. Review status: criteria provided, single submitter. Criteria: GeneDx Variant Classification Process June 2021. Collection method: clinical testing. Allele origin: germline. Affected: yes.
Comment: In silico analysis indicates that this missense variant does not alter protein structure/function; Has not been previously published as pathogenic or benign to our knowledge

NM_001843.4(CNTN1):c.2605G>A (p.Glu869Lys)

Gene: CNTN1 (contactin 1; plus strand). Cytogenetic location: 12q12.
Variant type: single nucleotide variant.
Coding change: c.2605G>A on transcript NM_001843.4 (MANE Select); coding-DNA position 2605, G replaced by A.
Protein change: p.Glu869Lys; replaces glutamic acid 869 with lysine.
Molecular consequence: missense variant.
Genome position (GRCh38, 1-based): chr12:41,025,231, G>A. VCF-style: chr12-41025231-G-A. GRCh37 (hg19) VCF-style: chr12-41419033-G-A.
Other names: c.2572G>A, p.Glu858Lys (NM_175038.2); c.2605G>A (NM_001843.3); short protein forms E869K, E858K.
Identifiers: ClinVar variation 1992026 (VCV001992026.3), dbSNP rs200286741, ClinGen allele CA6517190.